The following is an entry in ClinVar:

NM_001040142.2(SCN2A):c.4886G>A (p.Arg1629His)

Gene: SCN2A (sodium voltage-gated channel alpha subunit 2; plus strand). Cytogenetic location: 2q24.3.
Variant type: single nucleotide variant.
Coding change: c.4886G>A on transcript NM_001040142.2 (MANE Select); coding-DNA position 4886, G replaced by A.
Protein change: p.Arg1629His; replaces arginine 1629 with histidine.
Molecular consequence: missense variant.
Genome position (GRCh38, 1-based): chr2:165,388,692, G>A. VCF-style: chr2-165388692-G-A. GRCh37 (hg19) VCF-style: chr2-166245202-G-A.
Other names: p.R1629H:CGT>CAT; c.4886G>A, p.Arg1629His (NM_001040143.2, NM_001371246.1, NM_001371247.1 and 1 more transcripts); short protein forms R1629H.
Identifiers: ClinVar variation 207019 (VCV000207019.50), dbSNP rs796053157, ClinGen allele CA318018.

ClinVar aggregate classification (germline): Pathogenic/Likely pathogenic. Review status: criteria provided, multiple submitters, no conflicts (2 of 4 stars). 14 submissions from 14 submitters: Pathogenic (10); Likely pathogenic (2). 2 of the submissions do not count toward it. Last evaluated 2025-05-20.

Conditions:
Inborn genetic diseases. Identifiers: MedGen C0950123, MeSH D030342.
Episodic ataxia, type 9. Identifiers: MedGen C5394520, MONDO:0030064, OMIM 618924.
Developmental and epileptic encephalopathy, 11 (DEE11). Also called: Early infantile epileptic encephalopathy 11. Identifiers: Orphanet 1934, MedGen C3150987, MONDO:0013388, OMIM 613721.
Seizures, benign familial infantile, 3 (BFIS3). Also called: CONVULSIONS, BENIGN FAMILIAL INFANTILE, 3; Familial neonatal seizures. Identifiers: Orphanet 140927, Orphanet 306, MedGen C1843140, MONDO:0011904, OMIM 607745.
Complex neurodevelopmental disorder. Identifiers: Orphanet 528084, MedGen C5568766, MONDO:0100038.
Epilepsy of infancy with migrating focal seizures. Identifiers: MedGen C4518639, MONDO:0100025.
Genetic developmental and epileptic encephalopathy. Identifiers: MedGen CN379639, MONDO:0100062.
SCN2A-related disorder. Also called: SCN2A-related disorders; SCN2A-related condition. Identifiers: MedGen CN382226, MONDO:1060245.
Developmental and epileptic encephalopathy. Identifiers: MedGen C5779964, MONDO:0100620.
SCN2A-related generalized epilepsy with febrile seizures plus. Identifiers: MedGen CN120574.

Submissions 1 to 11 of 14:

Women's Health and Genetics/Laboratory Corporation of America, LabCorp
Classification: Pathogenic for Developmental and epileptic encephalopathy, 11. Last evaluated: 2025-05-20. Review status: criteria provided, single submitter. Criteria: LabCorp Variant Classification Summary - May 2015. Collection method: clinical testing. Allele origin: germline.
Comment: Variant summary: SCN2A c.4886G>A (p.Arg1629His) results in a non-conservative amino acid change in the encoded protein sequence. Algorithms developed to predict the effect of missense changes on protein structure and function all suggest that this variant is likely to be disruptive. The frequency data for this variant in gnomAD is considered unreliable, as metrics indicate poor data quality at this position. c.4886G>A has been observed in individuals affected with Early Infantile Epileptic Encephalopathy 11, including de novo occurrences (Wang_2020, Richardson_2021, Zeng_2022). These data indicate that the variant is likely to be associated with disease. To our knowledge, no experimental evidence demonstrating an impact on protein function has been reported. The following publications have been ascertained in the context of this evaluation (PMID: 32411386, 34894057, 35431799). ClinVar contains an entry for this variant (Variation ID: 207019). Based on the evidence outlined above, the variant was classified as pathogenic.

Labcorp Genetics (formerly Invitae), Labcorp
Classification: Pathogenic for Seizures, benign familial infantile, 3; Developmental and epileptic encephalopathy, 11. Last evaluated: 2025-05-18. Review status: criteria provided, single submitter. Criteria: Invitae Variant Classification Sherloc (09022015). Collection method: clinical testing. Allele origin: germline.
Comment: This sequence change replaces arginine, which is basic and polar, with histidine, which is basic and polar, at codon 1629 of the SCN2A protein (p.Arg1629His). This variant is not present in population databases (gnomAD no frequency). This missense change has been observed in individual(s) with SCN2A-related conditions (PMID: 28379373, 29100083, 30619928, 31054490). In at least one individual the variant was observed to be de novo. ClinVar contains an entry for this variant (Variation ID: 207019). Invitae Evidence Modeling of protein sequence and biophysical properties (such as structural, functional, and spatial information, amino acid conservation, physicochemical variation, residue mobility, and thermodynamic stability) indicates that this missense variant is expected to disrupt SCN2A protein function with a positive predictive value of 95%. For these reasons, this variant has been classified as Pathogenic.

GeneDx
Classification: Pathogenic. Last evaluated: 2025-01-15. Review status: criteria provided, single submitter. Criteria: GeneDx Variant Classification Process June 2021. Collection method: clinical testing. Allele origin: germline. Affected: yes.
Comment: Not observed at significant frequency in large population cohorts (gnomAD); In silico analysis supports that this missense variant has a deleterious effect on protein structure/function; This variant is associated with the following publications: (PMID: 28379373, 29100083, 30619928, 32090326, 32411386, 32712949, 33951346, 31785789, 34247411, 34894057, 35431799, 33057194, 37429183, 35982159, 31054490)

Illumina Laboratory Services, Illumina
Classification: Pathogenic for SCN2A-related generalized epilepsy with febrile seizures plus. Last evaluated: 2024-02-23. Review status: criteria provided, single submitter. Criteria: ICSLVariantClassificationCriteria RUGD 01 April 2020. Collection method: clinical testing. Allele origin: unknown.
Comment: The SCN2A c.4886G>A p.(Arg1629His) missense variant has been identified in individuals with phenotypes consistent with SCN2A-related disorders. The majority of variants were identified in a de novo state (PMID: 28379373; 29100083; 30619928; 31054490). Additionally, three different amino acid substitutions at the same codon p.(Arg1629Leu), p.( Arg1629Gly), and p.(Arg1629Cys) have been reported in individuals with SCN2A-related disorders. This variant is not observed in version 2.1.1 or version 4.0.0 of the Genome Aggregation Database. Multiple lines of computational evidence suggest the variant may impact the gene or gene product. This variant has been also classified as pathogenic by at least three submitters in ClinVar. Based on the available evidence, the c.4886G>A p.(Arg1629His) variant is classified as pathogenic for SCN2A-related disorders.

New York Genome Center
Classification: Pathogenic for Developmental and epileptic encephalopathy, 11; Seizures, benign familial infantile, 3; Episodic ataxia, type 9. Last evaluated: 2023-10-19. Review status: criteria provided, single submitter. Criteria: NYGC Assertion Criteria 2020. Collection method: clinical testing. Allele origin: inherited. Observed: 1 variant allele, 1 heterozygote.
Comment: The inherited c.4886G>A variant identified in the SCN2A gene substitutes a highly conserved Arginine for Histidine at amino acid 1629/2006 (p.(Arg1629His); exon 27/27). This variant is absent from population databases (gnomADv2.1.1, gnomADv3.1.2, BRAVO-TOPMed, All of Us) suggesting it is not a common benign variant in the populations represented in those databases. In silico algorithms predict this variant to be damaging to the function of the canonical transcript (REVEL=0.921). The c.4886G>A, p.(Arg1629His) variant is reported as Pathogenic in ClinVar (VarID:207019) and has been reported in many affected individuals in the literature, often with neonatal or early infantile onset seizures with or without variable MRI findings [PMID:28379373, 29930392, 30619928,32411386, 35431799, others]. Several different amino acid changes at the same amino acid position have also been reported as Pathogenic or Likely Pathogenic in ClinVar (VarIDs:1418333, 840614, 660961). Given its report in many affected individuals in the literature, its absence in population databases, in silico prediction of a damaging effect, and the presence of additional pathogenic amino acid changes at the same amino acid position, the inherited c.4886G>A, p.(Arg1629His) variant identified in the SCN2A gene is reported here as Pathogenic.

Mendelics
Classification: Pathogenic for Seizures, benign familial infantile, 3. Last evaluated: 2022-05-04. Review status: criteria provided, single submitter. Criteria: Mendelics Assertion Criteria 2019. Collection method: clinical testing. Allele origin: germline.

Ambry Genetics
Classification: Pathogenic for Inborn genetic diseases. Last evaluated: 2021-08-27. Review status: criteria provided, single submitter. Criteria: Ambry Variant Classification Scheme 2023. Collection method: clinical testing. Allele origin: germline.
Comment: The c.4886G>A (p.R1629H) alteration is located in exon 27 (coding exon 26) of the SCN2A gene. This alteration results from a G to A substitution at nucleotide position 4886, causing the arginine (R) at amino acid position 1629 to be replaced by a histidine (H). This variant was not reported in population-based cohorts in the Genome Aggregation Database (gnomAD). This alteration was reported in multiple unrelated patients with epilepsy (Hamdan, 2017; Wolff, 2017; Kong, 2019). In addition, two other alterations affecting the same amino acid, p.R1629P and p.R1629L, were reported in patients with epilepsy (Nakamura, 2013; Symonds, 2019). This amino acid position is highly conserved in available vertebrate species. This alteration is predicted to be deleterious by in silico analysis. Based on the available evidence, this alteration is classified as pathogenic.

Blueprint Genetics
Classification: Pathogenic for SCN2A-related disorders. Last evaluated: 2021-05-21. Review status: criteria provided, single submitter. Criteria: ACMG Guidelines, 2015. Collection method: clinical testing. Allele origin: germline. Affected: yes. Observed: 2 variant alleles.

Cambridge Genomics Laboratory, East Genomic Laboratory Hub, NHS Genomic Medicine Service
Classification: Pathogenic for Genetic developmental and epileptic encephalopathy. Last evaluated: 2019-06-28. Review status: criteria provided, single submitter. Criteria: ACGS Best Practice Guidelines for Variant Classification in Rare Disease 2020. Collection method: clinical testing. Allele origin: germline. Affected: yes. Observed: 1 variant allele.

Center for Molecular Medicine, Children’s Hospital of Fudan University
Classification: Likely pathogenic for Developmental and epileptic encephalopathy, 11. Last evaluated: 2019-05-10. Review status: criteria provided, single submitter. Criteria: ACMG Guidelines, 2015. Collection method: clinical testing. Allele origin: de novo. Affected: yes.

Cytogénomique, Hospices Civils de Lyon
Classification: Pathogenic for Developmental and epileptic encephalopathy, 11. Last evaluated: 2018-10-05. Review status: criteria provided, single submitter. Criteria: ACMG Guidelines, 2015. Collection method: clinical testing. Allele origin: de novo. Inheritance: Autosomal dominant inheritance. Affected: yes.